The following is an entry in ClinVar:

ClinVar aggregate classification (germline): Conflicting classifications of pathogenicity. Review status: criteria provided, conflicting classifications (1 of 4 stars). 3 submissions from 3 submitters: Uncertain significance (1); Likely benign (1). 1 of the submissions does not count toward it. Last evaluated 2024-09-12.

Conditions:
OTOGL-related disorder. Also called: OTOGL-related condition.

Allele frequency attached by ClinVar (database versions not stated): gnomAD exomes 0.00006 and 0.00012; 1000 Genomes Project 0.00020; ExAC 0.00026; ESP Exome Variant Server 0.00043; 1000 Genomes Project 30x 0.00047; gnomAD 0.00050 and 0.00055; TOPMed 0.00070.
gnomAD v4.1: 165 of 1,517,920 alleles (0.011%); highest among the groups gnomAD compares: African/African-American, 0.2%; no homozygotes.

Submissions (3):

Labcorp Genetics (formerly Invitae), Labcorp
Classification: Likely benign. Last evaluated: 2024-09-12. Review status: criteria provided, single submitter. Criteria: Invitae Variant Classification Sherloc (09022015). Collection method: clinical testing. Allele origin: germline.

GeneDx
Classification: Uncertain significance. Last evaluated: 2021-06-22. Review status: criteria provided, single submitter. Criteria: GeneDx Variant Classification Process June 2021. Collection method: clinical testing. Allele origin: germline. Affected: yes.
Comment: In silico analysis supports that this variant does not alter splicing; Has not been previously published as pathogenic or benign to our knowledge; This variant is associated with the following publications: (PMID: 27535533)

PreventionGenetics, part of Exact Sciences
Classification: Likely benign for OTOGL-related condition. Last evaluated: 2020-11-16. Review status: no assertion criteria provided. Collection method: clinical testing. Allele origin: germline. Not counted in ClinVar's aggregate classification.
Comment: This variant is classified as likely benign based on ACMG/AMP sequence variant interpretation guidelines (Richards et al. 2015 PMID: 25741868, with internal and published modifications).

NM_001378609.3(OTOGL):c.169-8T>C

Gene: OTOGL (otogelin like; plus strand). Cytogenetic location: 12q21.31.
Variant type: single nucleotide variant.
Coding change: c.169-8T>C on transcript NM_001378609.3 (MANE Select); 8 bases into the intron before coding-DNA position 169, T replaced by C.
Molecular consequence: intron variant.
Genome position (GRCh38, 1-based): chr12:80,217,590, T>C. VCF-style: chr12-80217590-T-C. GRCh37 (hg19) VCF-style: chr12-80611370-T-C.
Other names: c.142-8T>C (NM_173591.3); c.169-8T>C (NM_001368062.3, NM_001378610.3, NM_173591.7).
Identifiers: ClinVar variation 1223729 (VCV001223729.8), dbSNP rs189897002, ClinGen allele CA6700081.